The following is an entry in ClinVar:

ClinVar aggregate classification (germline): Uncertain significance/Uncertain risk allele. Review status: criteria provided, multiple submitters, no conflicts (2 of 4 stars). 5 submissions from 5 submitters: Uncertain significance (3); Uncertain risk allele (1). 1 of the submissions does not count toward it. Last evaluated 2025-06-10.

Conditions:
WFS1-related disorder. Identifiers: MedGen CN379391, MONDO:0700293.
Wolfram syndrome 1 (WFS1). Identifiers: Orphanet 3463, MedGen C4551693, MONDO:0009101, OMIM 222300.
Inborn genetic diseases. Identifiers: MedGen C0950123, MeSH D030342.
Autosomal dominant nonsyndromic hearing loss 6 (LFSNHL). Also called: DEAFNESS, AUTOSOMAL DOMINANT 6; DEAFNESS, AUTOSOMAL DOMINANT 14; DEAFNESS, AUTOSOMAL DOMINANT 38; Autosomal dominant nonsyndromic deafness 6. Identifiers: Orphanet 90635, MedGen C1833021, MONDO:0010963, OMIM 600965.
Type 2 diabetes mellitus. Also called: Type II diabetes mellitus. Identifiers: MedGen C0011860, MeSH D003924, MONDO:0005148, OMIM 125853, HP:0005978.
Wolfram-like syndrome. Also called: HEARING LOSS, PROGRESSIVE, WITH OPTIC ATROPHY AND/OR IMPAIRED GLUCOSE REGULATION. Identifiers: Orphanet 411590, MedGen C3280358, MONDO:0013673, OMIM 614296.
Cataract 41 (CTRCT41). Also called: CATARACT 41, CONGENITAL NUCLEAR TYPE. Identifiers: Orphanet 91492, Orphanet 98991, Orphanet 98992, Orphanet 98995, MedGen C3805412, MONDO:0007287, OMIM 116400.

Allele frequency attached by ClinVar (database versions not stated): ExAC 0.00001; gnomAD exomes 0.00001; gnomAD 0.00002; TOPMed 0.00002.
gnomAD v4.1: 14 of 1,613,384 alleles (0.00087%); highest among the groups gnomAD compares: East Asian, 0.0067%; no homozygotes.

Submissions (5):

Ambry Genetics
Classification: Uncertain significance for Inborn genetic diseases. Last evaluated: 2025-06-10. Review status: criteria provided, single submitter. Criteria: Ambry Variant Classification Scheme 2023. Collection method: clinical testing. Allele origin: germline.

Fulgent Genetics
Classification: Uncertain significance for Cataract 41; Type 2 diabetes mellitus; Wolfram syndrome 1; Autosomal dominant nonsyndromic hearing loss 6; Wolfram-like syndrome. Last evaluated: 2021-11-09. Review status: criteria provided, single submitter. Criteria: ACMG Guidelines, 2015. Collection method: clinical testing. Allele origin: unknown.

CeGaT Center for Human Genetics Tuebingen
Classification: Uncertain significance. Last evaluated: 2018-04-01. Review status: criteria provided, single submitter. Criteria: CeGaT Center For Human Genetics Tuebingen Variant Classification Criteria Version 2. Collection method: clinical testing. Allele origin: germline. Affected: yes. Observed: 1 variant allele.

Clinical Genomics, Uppaluri K&H Personalized Medicine Clinic
Classification: Uncertain risk allele for Wolfram syndrome 1. Review status: criteria provided, single submitter. Criteria: K & H Uppaluri Personalized Medicine Clinic Variant Classification & Assertion Criteria_Updated V.1. Collection method: research. Allele origin: unknown. Inheritance: Autosomal recessive inheritance.
Comment: Potent mutations in WFS1 gene are associated with Wolfram's syndrome, an autosomal recessive condition, which cause diabetes mellitus, diabetes insipidus, deafness and optic atrophy.However no sufficient evidence is found to ascertain the role of this particular variant rs760226129 in Wolfram's syndrome yet.

PreventionGenetics, part of Exact Sciences
Classification: Uncertain significance for WFS1-related condition. Last evaluated: 2024-06-06. Review status: no assertion criteria provided. Collection method: clinical testing. Allele origin: germline. Not counted in ClinVar's aggregate classification.
Comment: The WFS1 c.727G>A variant is predicted to result in the amino acid substitution p.Ala243Thr. To our knowledge, this variant has not been reported in the literature. This variant is reported in 0.0054% of alleles in individuals of East Asian descent in gnomAD. At this time, the clinical significance of this variant is uncertain due to the absence of conclusive functional and genetic evidence.

Literature cited by the submitters: PubMed 20738327 (cited by Clinical Genomics, Uppaluri K&H Personalized Medicine Clinic); PubMed 33879153 (cited by Clinical Genomics, Uppaluri K&H Personalized Medicine Clinic); PubMed 12955714 (cited by Clinical Genomics, Uppaluri K&H Personalized Medicine Clinic); PubMed 18060660 (cited by Clinical Genomics, Uppaluri K&H Personalized Medicine Clinic); PubMed 20301750 (cited by Clinical Genomics, Uppaluri K&H Personalized Medicine Clinic); PubMed 17603484 (cited by Clinical Genomics, Uppaluri K&H Personalized Medicine Clinic).

NM_006005.3(WFS1):c.727G>A (p.Ala243Thr)

Gene: WFS1 (wolframin ER transmembrane glycoprotein; plus strand). Cytogenetic location: 4p16.1.
Variant type: single nucleotide variant.
Coding change: c.727G>A on transcript NM_006005.3 (MANE Select); coding-DNA position 727, G replaced by A.
Protein change: p.Ala243Thr; replaces alanine 243 with threonine.
Molecular consequence: missense variant.
Genome position (GRCh38, 1-based): chr4:6,295,055, G>A. VCF-style: chr4-6295055-G-A. GRCh37 (hg19) VCF-style: chr4-6296782-G-A.
Other names: c.727G>A, p.Ala243Thr (NM_001145853.1); short protein forms A243T.
Identifiers: ClinVar variation 809616 (VCV000809616.44), dbSNP rs760226129, ClinGen allele CA2839040.
Genomic context (GRCh38, chr4:6,295,055, plus strand): 5'-GGGGCTGCAGTGTGGGGCGCCCATGCTGTTTTCTCTCATGCTTCAGCCAAGAACTACATC[G>A]CGCTGGATGACTTTGTGGAGATCACTAAGAAGTACGCCAAGGGCGTCATCCCCAGCAGCC-3'
Protein context (NP_005996.2, residues 233-253): LVSSESKNYI[Ala243Thr]LDDFVEITKK